The following is an entry in ClinVar:

NM_021098.3(CACNA1H):c.6776A>C (p.Glu2259Ala)

Gene: CACNA1H (calcium voltage-gated channel subunit alpha1 H; plus strand). Cytogenetic location: 16p13.3.
Variant type: single nucleotide variant.
Coding change: c.6776A>C on transcript NM_021098.3 (MANE Select); coding-DNA position 6776, A replaced by C.
Protein change: p.Glu2259Ala; replaces glutamic acid 2259 with alanine.
Molecular consequence: missense variant.
Genome position (GRCh38, 1-based): chr16:1,220,708, A>C. VCF-style: chr16-1220708-A-C. GRCh37 (hg19) VCF-style: chr16-1270708-A-C.
Other names: c.6758A>C, p.Glu2253Ala (NM_001005407.2); short protein forms E2259A, E2253A.
Identifiers: ClinVar variation 2923213 (VCV002923213.3), dbSNP rs2548739648, ClinGen allele CA394150609.

ClinVar aggregate classification (germline): Uncertain significance (1 of 4 stars; one submission).

Conditions:
Idiopathic generalized epilepsy. Also called: Generalised epilepsy; EIG. Identifiers: MedGen C0270850, MONDO:0005579, OMIM 600669.
Hyperaldosteronism, familial, type IV (HALD4). Also called: FH IV; ALDOSTERONISM, PRIMARY, AND HYPERTENSION. Identifiers: Orphanet 642671, MedGen C4310756, MONDO:0014875, OMIM 617027.

Submission:

Labcorp Genetics (formerly Invitae), Labcorp
Classification: Uncertain significance for Idiopathic generalized epilepsy; Hyperaldosteronism, familial, type IV. Last evaluated: 2023-04-15. Review status: criteria provided, single submitter. Criteria: Invitae Variant Classification Sherloc (09022015). Collection method: clinical testing. Allele origin: germline.
Comment: In summary, the available evidence is currently insufficient to determine the role of this variant in disease. Therefore, it has been classified as a Variant of Uncertain Significance. Advanced modeling of protein sequence and biophysical properties (such as structural, functional, and spatial information, amino acid conservation, physicochemical variation, residue mobility, and thermodynamic stability) performed at Invitae indicates that this missense variant is not expected to disrupt CACNA1H protein function. This variant has not been reported in the literature in individuals affected with CACNA1H-related conditions. This variant is not present in population databases (gnomAD no frequency). This sequence change replaces glutamic acid, which is acidic and polar, with alanine, which is neutral and non-polar, at codon 2259 of the CACNA1H protein (p.Glu2259Ala).